The following is an entry in ClinVar:

ClinVar aggregate classification (germline): Uncertain significance (1 of 4 stars; one submission).

Conditions:
Nephronophthisis 4 (NPHP4). Also called: NEPHRONOPHTHISIS 4, JUVENILE. Identifiers: Orphanet 655, MedGen C1847013, MONDO:0011752, OMIM 606966.

Submission:

MVZ Medizinische Genetik Mainz
Classification: Uncertain significance for Nephronophthisis 4. Last evaluated: 2024-10-24. Review status: criteria provided, single submitter. Criteria: UK Practice Guidelines For Variant Classification V4 01 2020. Collection method: clinical testing. Allele origin: germline. Inheritance: Autosomal recessive inheritance. Affected: yes. Observed: 1 variant allele.
Comment: ACMG Criteria: PM2_SUP,PM3_SUP,PP4

NM_015102.5(NPHP4):c.3703C>G (p.Arg1235Gly)

Gene: NPHP4 (nephrocystin 4; minus strand). Cytogenetic location: 1p36.31.
Variant type: single nucleotide variant.
Coding change: c.3703C>G on transcript NM_015102.5 (MANE Select); coding-DNA position 3703, C replaced by G.
Protein change: p.Arg1235Gly; replaces arginine 1235 with glycine.
Molecular consequence: missense variant. On other transcripts: non-coding transcript variant (1).
Genome position (GRCh38, 1-based): chr1:5,865,215, G>C on the plus strand (C>G on the coding strand, the complement: NPHP4 is on the minus strand). VCF-style: chr1-5865215-G-C. GRCh37 (hg19) VCF-style: chr1-5925275-G-C.
Other names: c.2164C>G, p.Arg722Gly (NM_001291593.2); c.2167C>G, p.Arg723Gly (NM_001291594.2); short protein forms R1235G, R722G, R723G.
Identifiers: ClinVar variation 4857259 (VCV004857259.1).